The following is an entry in ClinVar:

ClinVar aggregate classification (germline): Uncertain significance (1 of 4 stars; one submission).

Conditions:
Cornelia de Lange syndrome 3 (CDLS3). Also called: SMC3-Related Cornelia de Lange Syndrome; CORNELIA DE LANGE SYNDROME 3 WITH OR WITHOUT MIDLINE BRAIN DEFECTS. Identifiers: Orphanet 199, MedGen C1853099, MONDO:0012555, OMIM 610759.

Submission:

Labcorp Genetics (formerly Invitae), Labcorp
Classification: Uncertain significance for Cornelia de Lange syndrome 3. Last evaluated: 2024-03-11. Review status: criteria provided, single submitter. Criteria: Invitae Variant Classification Sherloc (09022015). Collection method: clinical testing. Allele origin: germline.
Comment: This sequence change replaces alanine, which is neutral and non-polar, with serine, which is neutral and polar, at codon 104 of the SMC3 protein (p.Ala104Ser). This variant is not present in population databases (gnomAD no frequency). This variant has not been reported in the literature in individuals affected with SMC3-related conditions. Advanced modeling of protein sequence and biophysical properties (such as structural, functional, and spatial information, amino acid conservation, physicochemical variation, residue mobility, and thermodynamic stability) performed at Invitae indicates that this missense variant is not expected to disrupt SMC3 protein function with a negative predictive value of 80%. In summary, the available evidence is currently insufficient to determine the role of this variant in disease. Therefore, it has been classified as a Variant of Uncertain Significance.

NM_005445.4(SMC3):c.310G>T (p.Ala104Ser)

Gene: SMC3 (structural maintenance of chromosomes 3; plus strand). Cytogenetic location: 10q25.2.
Variant type: single nucleotide variant.
Coding change: c.310G>T on transcript NM_005445.4 (MANE Select); coding-DNA position 310, G replaced by T.
Protein change: p.Ala104Ser; replaces alanine 104 with serine.
Molecular consequence: missense variant.
Genome position (GRCh38, 1-based): chr10:110,577,874, G>T. VCF-style: chr10-110577874-G-T. GRCh37 (hg19) VCF-style: chr10-112337632-G-T.
Other names: short protein forms A104S.
Identifiers: ClinVar variation 3640963 (VCV003640963.2).